The following is an entry in ClinVar:

ClinVar aggregate classification (germline): Pathogenic (1 of 4 stars; one submission).

Conditions:
Kabuki syndrome 1 (KABUK1). Also called: KMT2D-Related Kabuki Syndrome. Identifiers: Orphanet 2322, MedGen CN030661, MONDO:0007843, OMIM 147920.

Submission:

Women's Health and Genetics/Laboratory Corporation of America, LabCorp
Classification: Pathogenic for Kabuki syndrome 1. Last evaluated: 2024-12-26. Review status: criteria provided, single submitter. Criteria: LabCorp Variant Classification Summary - May 2015. Collection method: clinical testing. Allele origin: germline.
Comment: Variant summary: KMT2D c.14148_14149delGG (p.Glu4717GlyfsX64) results in a premature termination codon, predicted to cause a truncation of the encoded protein or absence of the protein due to nonsense mediated decay, which are commonly known mechanisms for disease. The variant was absent in 248976 control chromosomes. To our knowledge, no occurrence of c.14148_14149delGG in individuals affected with Kabuki Syndrome 1 and no experimental evidence demonstrating its impact on protein function have been reported. No submitters have cited clinical-significance assessments for this variant to ClinVar. Based on the evidence outlined above, the variant was classified as pathogenic.

NM_003482.4(KMT2D):c.14148_14149del (p.Glu4717fs)

Gene: KMT2D (lysine methyltransferase 2D; minus strand). Cytogenetic location: 12q13.12.
Variant type: Deletion.
Coding change: c.14148_14149del on transcript NM_003482.4 (MANE Select); coding-DNA positions 14148 to 14149, 2 bases deleted (GG; older notation c.14148_14149delGG).
Protein change: p.Glu4717fs; shifts the reading frame from glutamic acid 4717.
Molecular consequence: frameshift variant.
Genome position (GRCh38, 1-based): chr12:49,029,163-49,029,164, CC deleted on the plus strand (GG on the coding strand, the reverse complement: KMT2D is on the minus strand); deleting any 2 consecutive bases within chr12:49,029,163-49,029,167 gives the same sequence; the c. name uses the placement nearest the transcript's 3' end. VCF-style (leftmost placement, unchanged base first): chr12-49029162-TCC-T. GRCh37 (hg19) VCF-style: chr12-49422945-TCC-T.
Other names: c.14148_14149delGG (NM_003482.4); short protein forms E4717fs.
Identifiers: ClinVar variation 3768401 (VCV003768401.1).